The following is an entry in ClinVar:

ClinVar aggregate classification (germline): Uncertain significance (1 of 4 stars; one submission).

Conditions:
Hereditary breast ovarian cancer syndrome. Also called: Hereditary breast and ovarian cancer syndrome (HBOC); Hereditary breast and/or ovarian cancer syndrome; BRCA1- and BRCA2-Associated Hereditary Breast and Ovarian Cancer; Hereditary breast and ovarian cancer syndrome; Hereditary breast and ovarian cancer; Breast and ovarian cancer. Identifiers: Orphanet 145, MedGen C0677776, MeSH D061325, MONDO:0003582. Disease mechanism: loss of function.

Submission:

Labcorp Genetics (formerly Invitae), Labcorp
Classification: Uncertain significance for Hereditary breast ovarian cancer syndrome. Last evaluated: 2024-03-06. Review status: criteria provided, single submitter. Criteria: Invitae Variant Classification Sherloc (09022015). Collection method: clinical testing. Allele origin: germline.
Comment: This variant, c.5581_5583del, results in the deletion of 1 amino acid(s) of the BRCA2 protein (p.Lys1861del), but otherwise preserves the integrity of the reading frame. This variant is not present in population databases (gnomAD no frequency). This variant has not been reported in the literature in individuals affected with BRCA2-related conditions. ClinVar contains an entry for this variant (Variation ID: 1015159). Experimental studies and prediction algorithms are not available or were not evaluated, and the functional significance of this variant is currently unknown. In summary, the available evidence is currently insufficient to determine the role of this variant in disease. Therefore, it has been classified as a Variant of Uncertain Significance.

NM_000059.4(BRCA2):c.5581_5583del (p.Lys1861del)

Gene: BRCA2 (BRCA2 DNA repair associated; plus strand). Cytogenetic location: 13q13.1.
Variant type: Deletion.
Coding change: c.5581_5583del on transcript NM_000059.4 (MANE Select); coding-DNA positions 5581 to 5583, 3 bases deleted (AAA; older notation c.5581_5583delAAA).
Protein change: p.Lys1861del; deletes lysine 1861.
Molecular consequence: inframe deletion.
Genome position (GRCh38, 1-based): chr13:32,339,936-32,339,938, AAA deleted; deleting any 3 consecutive bases within chr13:32,339,933-32,339,938 gives the same sequence; the c. name uses the placement nearest the transcript's 3' end. VCF-style (leftmost placement, unchanged base first): chr13-32339932-TAAA-T. GRCh37 (hg19) VCF-style: chr13-32914069-TAAA-T.
Other names: short protein forms K1861del.
Identifiers: ClinVar variation 1015159 (VCV001015159.9), dbSNP rs397507790, ClinGen allele CA2082824927.